The following is an entry in ClinVar:

NM_016239.4(MYO15A):c.3338G>A (p.Arg1113His)

Gene: MYO15A (myosin XVA; plus strand). Cytogenetic location: 17p11.2.
Variant type: single nucleotide variant.
Coding change: c.3338G>A on transcript NM_016239.4 (MANE Select); coding-DNA position 3338, G replaced by A.
Protein change: p.Arg1113His; replaces arginine 1113 with histidine.
Molecular consequence: missense variant.
Genome position (GRCh38, 1-based): chr17:18,122,138, G>A. VCF-style: chr17-18122138-G-A. GRCh37 (hg19) VCF-style: chr17-18025452-G-A.
Other names: short protein forms R1113H.
Identifiers: ClinVar variation 4527253 (VCV004527253.1).
Genomic context (GRCh38, chr17:18,122,138, plus strand): 5'-CCATCAGGGCCCCAGAGCCCCTGCCCAAGGGGGGTGAACGGCGCCAGGCAGCCCCTGGGC[G>A]TTTTGCTGTGGTCATGCCTCGTGTGCAGAAGCTGAGCTCTTTCCAGCGAGTTGGGCCTGC-3'
Protein context (NP_057323.3, residues 1103-1123): GGERRQAAPG[Arg1113His]FAVVMPRVQK

ClinVar aggregate classification (germline): Uncertain significance (1 of 4 stars; one submission).

Submission:

GeneDx
Classification: Uncertain significance. Last evaluated: 2025-04-20. Review status: criteria provided, single submitter. Criteria: GeneDx Variant Classification Process June 2021. Collection method: clinical testing. Allele origin: germline. Affected: yes.
Comment: Not observed at significant frequency in large population cohorts (gnomAD); In silico analysis indicates that this missense variant does not alter protein structure/function; Has not been previously published as pathogenic or benign to our knowledge